The following is an entry in ClinVar:

NM_000308.4(CTSA):c.553C>A (p.Pro185Thr)

Gene: CTSA (cathepsin A; plus strand). Cytogenetic location: 20q13.12.
Variant type: single nucleotide variant.
Coding change: c.553C>A on transcript NM_000308.4 (MANE Select); coding-DNA position 553, C replaced by A.
Protein change: p.Pro185Thr; replaces proline 185 with threonine.
Molecular consequence: missense variant. On other transcripts: non-coding transcript variant (1).
Genome position (GRCh38, 1-based): chr20:45,892,833, C>A. VCF-style: chr20-45892833-C-A. GRCh37 (hg19) VCF-style: chr20-44521472-C-A.
Other names: c.553C>A, p.Pro185Thr (NM_001127695.3); c.502C>A, p.Pro168Thr (NM_001167594.3); short protein forms P168T, P185T.
Identifiers: ClinVar variation 1719216 (VCV001719216.6), dbSNP rs2515435811, ClinGen allele CA409249500.

ClinVar aggregate classification (germline): Likely pathogenic. Review status: criteria provided, multiple submitters, no conflicts (2 of 4 stars). 2 submissions from 2 submitters: Likely pathogenic (2). Last evaluated 2024-05-20.

Conditions:
Combined deficiency of sialidase AND beta galactosidase (GSL). Also called: CATHEPSIN A DEFICIENCY; GOLDBERG SYNDROME; NEURAMINIDASE DEFICIENCY WITH BETA-GALACTOSIDASE DEFICIENCY; NEURAMINIDASE/BETA-GALACTOSIDASE EXPRESSION; PPCA DEFICIENCY; PROTECTIVE PROTEIN/CATHEPSIN A DEFICIENCY. Identifiers: Orphanet 351, MedGen C0268233, MONDO:0009737, OMIM 256540.

gnomAD v4.1: 1 of 1,614,156 alleles (0.000062%); highest among the groups gnomAD compares: Middle Eastern, 0.016%; no homozygotes.

Submissions (2):

Labcorp Genetics (formerly Invitae), Labcorp
Classification: Likely pathogenic for Combined deficiency of sialidase AND beta galactosidase. Last evaluated: 2024-05-20. Review status: criteria provided, single submitter. Criteria: Invitae Variant Classification Sherloc (09022015). Collection method: clinical testing. Allele origin: germline.
Comment: This sequence change replaces proline, which is neutral and non-polar, with threonine, which is neutral and polar, at codon 203 of the CTSA protein (p.Pro203Thr). This variant is not present in population databases (gnomAD no frequency). This missense change has been observed in individuals with clinical features of galactosialidosis (PMID: 36341164; Invitae). ClinVar contains an entry for this variant (Variation ID: 1719216). Advanced modeling of protein sequence and biophysical properties (such as structural, functional, and spatial information, amino acid conservation, physicochemical variation, residue mobility, and thermodynamic stability) has been performed at Invitae for this missense variant, however the output from this modeling did not meet the statistical confidence thresholds required to predict the impact of this variant on CTSA protein function. In summary, the currently available evidence indicates that the variant is pathogenic, but additional data are needed to prove that conclusively. Therefore, this variant has been classified as Likely Pathogenic.

Genomic Medicine Center of Excellence, King Faisal Specialist Hospital and Research Centre
Classification: Likely pathogenic for Combined deficiency of sialidase AND beta galactosidase. Last evaluated: 2024-03-26. Review status: criteria provided, single submitter. Criteria: ACMG Guidelines, 2015. Collection method: clinical testing. Allele origin: germline.

Literature cited by the submitters: PubMed 36341164 (cited by Labcorp Genetics (formerly Invitae), Labcorp).